The following is an entry in ClinVar:

NM_014317.5(PDSS1):c.426G>A (p.Ala142=)

Gene: PDSS1 (decaprenyl diphosphate synthase subunit 1; plus strand). Cytogenetic location: 10p12.1.
Variant type: single nucleotide variant.
Coding change: c.426G>A on transcript NM_014317.5 (MANE Select); coding-DNA position 426, G replaced by A.
Protein change: p.Ala142=; no amino-acid change (alanine 142 retained).
Molecular consequence: synonymous variant. On other transcripts: 5 prime UTR variant (1).
Genome position (GRCh38, 1-based): chr10:26,709,727, G>A. VCF-style: chr10-26709727-G-A. GRCh37 (hg19) VCF-style: chr10-26998656-G-A.
Other names: c.426G>A, p.Ala142= (NM_001321978.2); c.-168G>A (NM_001321979.2).
Identifiers: ClinVar variation 299698 (VCV000299698.14), dbSNP rs149274703, ClinGen allele CA5446929.
Genomic context (GRCh38, chr10:26,709,727, plus strand): 5'-GGAAATGTCTGAGTACTACTTTGATGGGAAAGGGAAAGCCTTTCGACCAATTATTGTGGC[G>A]CTAATGGCCCGAGCATGCAATATTCATCATAACAACTCCCGGTGAGCTCTTTTTTTCATT-3'
Protein context (NP_055132.2, residues 132-152): KGKAFRPIIV[Ala142=]LMARACNIHH

ClinVar aggregate classification (germline): Benign/Likely benign. Review status: criteria provided, multiple submitters, no conflicts (2 of 4 stars). 4 submissions from 4 submitters: Benign (1); Likely benign (3). Last evaluated 2026-01-11.

Conditions:
Deafness-encephaloneuropathy-obesity-valvulopathy syndrome. Identifiers: Orphanet 254898, MedGen C3553354, MONDO:0013837, OMIM 614651.

Allele frequency attached by ClinVar (database versions not stated): gnomAD 0.00003 and 0.00025; TOPMed 0.00006; ESP Exome Variant Server 0.00015; gnomAD exomes 0.00042 and 0.00094; 1000 Genomes Project 30x 0.00094; ExAC 0.00105; 1000 Genomes Project 0.00120.
gnomAD v4.1: 661 of 1,613,854 alleles (0.041%); highest among the groups gnomAD compares: South Asian, 0.65%; 7 homozygotes.

Submissions (4):

Labcorp Genetics (formerly Invitae), Labcorp
Classification: Benign. Last evaluated: 2026-01-11. Review status: criteria provided, single submitter. Criteria: Invitae Variant Classification Sherloc (09022015). Collection method: clinical testing. Allele origin: germline.

Blueprint Genetics
Classification: Likely benign. Last evaluated: 2024-11-13. Review status: criteria provided, single submitter. Criteria: ACMG Guidelines, 2015. Collection method: clinical testing. Allele origin: germline.

Illumina Laboratory Services, Illumina
Classification: Likely benign for Deafness-encephaloneuropathy-obesity-valvulopathy syndrome. Last evaluated: 2018-01-13. Review status: criteria provided, single submitter. Criteria: ICSL Variant Classification Criteria 13 December 2019. Collection method: clinical testing. Allele origin: germline.
Comment: This variant was observed in the ICSL laboratory as part of a predisposition screen in an ostensibly healthy population. It had not been previously curated by ICSL or reported in the Human Gene Mutation Database (HGMD: prior to June 1st, 2018), and was therefore a candidate for classification through an automated scoring system. Utilizing variant allele frequency, disease prevalence and penetrance estimates, and inheritance mode, an automated score was calculated to assess if this variant is too frequent to cause the disease. Based on the score and internal cut-off values, a variant classified as likely benign is not then subjected to further curation. The score for this variant resulted in a classification of likely benign for this disease.

GeneDx
Classification: Likely benign. Last evaluated: 2017-09-22. Review status: criteria provided, single submitter. Criteria: GeneDx Variant Classification (06012015). Collection method: clinical testing. Allele origin: germline. Affected: yes.
Comment: This variant is considered likely benign or benign based on one or more of the following criteria: it is a conservative change, it occurs at a poorly conserved position in the protein, it is predicted to be benign by multiple in silico algorithms, and/or has population frequency not consistent with disease.